The following is an entry in ClinVar:

ClinVar aggregate classification (germline): Likely benign (1 of 4 stars; one submission).

Allele frequency attached by ClinVar (database versions not stated): 1000 Genomes Project 30x 0.00250; 1000 Genomes Project 0.00318; TOPMed 0.00057; gnomAD exomes 0.00188; ExAC 0.01035.

Submission:

CeGaT Center for Human Genetics Tuebingen
Classification: Likely benign. Last evaluated: 2023-03-01. Review status: criteria provided, single submitter. Criteria: CeGaT Center For Human Genetics Tuebingen Variant Classification Criteria Version 2. Collection method: clinical testing. Allele origin: germline. Affected: yes. Observed: 1 variant allele.
Comment: CT47B1: BS2

NM_001145718.3(CT47B1):c.796G>A (p.Glu266Lys)

Gene: CT47B1 (cancer/testis antigen family 47 member B1; minus strand). Cytogenetic location: Xq24.
Variant type: single nucleotide variant.
Coding change: c.796G>A on transcript NM_001145718.3 (MANE Select); coding-DNA position 796, G replaced by A.
Protein change: p.Glu266Lys; replaces glutamic acid 266 with lysine.
Molecular consequence: missense variant.
Genome position (GRCh38, 1-based): chrX:120,874,000, C>T on the plus strand (G>A on the coding strand, the complement: CT47B1 is on the minus strand). VCF-style: chrX-120874000-C-T. GRCh37 (hg19) VCF-style: chrX-120007854-C-T.
Other names: short protein forms E266K.
Identifiers: ClinVar variation 2661333 (VCV002661333.24), dbSNP rs774932604, ClinGen allele CA10506040.